The following is an entry in ClinVar:

ClinVar aggregate classification (germline): Uncertain significance (1 of 4 stars; one submission).

Conditions:
Desmin-related myofibrillar myopathy (MFM1). Also called: Desminopathy; Desmin related myopathy (former name); Desmin storage myopathy (former name); MYOFIBRILLAR MYOPATHY WITH ARRHYTHMOGENIC RIGHT VENTRICULAR CARDIOMYOPATHY; DESMIN-RELATED MYOPATHY WITH ARRHYTHMOGENIC RIGHT VENTRICULAR CARDIOMYOPATHY; Myofibrillar myopathy 1. Identifiers: Orphanet 363543, Orphanet 98909, MedGen C1832370, MONDO:0011076, OMIM 601419.

Allele frequency attached by ClinVar (database versions not stated): gnomAD exomes below 0.00001.
gnomAD v4.1: 1 of 1,614,016 alleles (0.000062%); highest among the groups gnomAD compares: Non-Finnish European, 0.000085%; no homozygotes.

Submission:

Labcorp Genetics (formerly Invitae), Labcorp
Classification: Uncertain significance for Desmin-related myofibrillar myopathy. Last evaluated: 2025-03-31. Review status: criteria provided, single submitter. Criteria: Invitae Variant Classification Sherloc (09022015). Collection method: clinical testing. Allele origin: germline.
Comment: This sequence change replaces leucine, which is neutral and non-polar, with phenylalanine, which is neutral and non-polar, at codon 470 of the DES protein (p.Leu470Phe). This variant is not present in population databases (gnomAD no frequency). This variant has not been reported in the literature in individuals affected with DES-related conditions. ClinVar contains an entry for this variant (Variation ID: 411152). Invitae Evidence Modeling of protein sequence and biophysical properties (such as structural, functional, and spatial information, amino acid conservation, physicochemical variation, residue mobility, and thermodynamic stability) indicates that this missense variant is not expected to disrupt DES protein function with a negative predictive value of 80%. In summary, the available evidence is currently insufficient to determine the role of this variant in disease. Therefore, it has been classified as a Variant of Uncertain Significance.

NM_001927.4(DES):c.1408C>T (p.Leu470Phe)

Gene: DES (desmin; plus strand). Cytogenetic location: 2q35.
Variant type: single nucleotide variant.
Coding change: c.1408C>T on transcript NM_001927.4 (MANE Select); coding-DNA position 1408, C replaced by T.
Protein change: p.Leu470Phe; replaces leucine 470 with phenylalanine.
Molecular consequence: missense variant.
Genome position (GRCh38, 1-based): chr2:219,425,985, C>T. VCF-style: chr2-219425985-C-T. GRCh37 (hg19) VCF-style: chr2-220290707-C-T.
Other names: c.1408C>T (LRG_380t1); short protein forms L470F.
Identifiers: ClinVar variation 411152 (VCV000411152.10), dbSNP rs1060503172, ClinGen allele CA16610675.